The following is an entry in ClinVar:

ClinVar aggregate classification (germline): Uncertain significance. Review status: criteria provided, multiple submitters, no conflicts (2 of 4 stars). 2 submissions from 2 submitters: Uncertain significance (2). Last evaluated 2024-12-01.

Allele frequency attached by ClinVar (database versions not stated): gnomAD exomes below 0.00001; ExAC 0.00001.
gnomAD v4.1: 3 of 1,613,848 alleles (0.00019%); highest among the groups gnomAD compares: Non-Finnish European, 0.00017%; no homozygotes.

Submissions (2):

CeGaT Center for Human Genetics Tuebingen
Classification: Uncertain significance. Last evaluated: 2024-12-01. Review status: criteria provided, single submitter. Criteria: CeGaT Center For Human Genetics Tuebingen Variant Classification Criteria Version 2. Collection method: clinical testing. Allele origin: germline. Affected: yes. Observed: 1 variant allele.
Comment: USH2A: PM2, BP4

Labcorp Genetics (formerly Invitae), Labcorp
Classification: Uncertain significance. Last evaluated: 2021-08-26. Review status: criteria provided, single submitter. Criteria: Invitae Variant Classification Sherloc (09022015). Collection method: clinical testing. Allele origin: germline.
Comment: This sequence change replaces threonine with arginine at codon 530 of the USH2A protein (p.Thr530Arg). The threonine residue is moderately conserved and there is a moderate physicochemical difference between threonine and arginine. This variant is present in population databases (rs76458883, ExAC 0.001%). This variant has not been reported in the literature in individuals affected with USH2A-related conditions. Algorithms developed to predict the effect of missense changes on protein structure and function are either unavailable or do not agree on the potential impact of this missense change (SIFT: "Deleterious"; PolyPhen-2: "Benign"; Align-GVGD: "Class C0"). In summary, the available evidence is currently insufficient to determine the role of this variant in disease. Therefore, it has been classified as a Variant of Uncertain Significance.

NM_206933.4(USH2A):c.1589C>G (p.Thr530Arg)

Gene: USH2A (usherin; minus strand). Cytogenetic location: 1q41.
Variant type: single nucleotide variant.
Coding change: c.1589C>G on transcript NM_206933.4 (MANE Select); coding-DNA position 1589, C replaced by G.
Protein change: p.Thr530Arg; replaces threonine 530 with arginine.
Molecular consequence: missense variant.
Genome position (GRCh38, 1-based): chr1:216,321,938, G>C on the plus strand (C>G on the coding strand, the complement: USH2A is on the minus strand). VCF-style: chr1-216321938-G-C. GRCh37 (hg19) VCF-style: chr1-216495280-G-C.
Other names: c.1589C>G, p.Thr530Arg (NM_007123.6); short protein forms T530R.
Identifiers: ClinVar variation 862718 (VCV000862718.20), dbSNP rs76458883, ClinGen allele CA1396462.